The following is an entry in ClinVar:

NM_000493.4(COL10A1):c.2027T>C (p.Leu676Pro)

Genes: COL10A1 (collagen type X alpha 1 chain; minus strand), NT5DC1 (5'-nucleotidase domain containing 1; plus strand). Cytogenetic location: 6q22.1.
Variant type: single nucleotide variant.
Coding change: c.2027T>C on transcript NM_000493.4 (MANE Select); coding-DNA position 2027, T replaced by C.
Protein change: p.Leu676Pro; replaces leucine 676 with proline.
Molecular consequence: missense variant. On other transcripts: intron variant (1).
Genome position (GRCh38, 1-based): chr6:116,120,089, A>G on the plus strand (T>C on the coding strand, the complement: COL10A1 is on the minus strand). VCF-style: chr6-116120089-A-G. GRCh37 (hg19) VCF-style: chr6-116441252-A-G.
Other names: c.2027T>C, p.Leu676Pro (NM_001424106.1, NM_001424107.1); c.529+2144A>G (NM_152729.3); short protein forms L676P.
Identifiers: ClinVar variation 2703802 (VCV002703802.4), dbSNP rs2534083158, ClinGen allele CA365386174.

ClinVar aggregate classification (germline): Uncertain significance. Review status: criteria provided, multiple submitters, no conflicts (2 of 4 stars). 2 submissions from 2 submitters: Uncertain significance (2). Last evaluated 2023-12-18.

Submissions (2):

Labcorp Genetics (formerly Invitae), Labcorp
Classification: Uncertain significance. Last evaluated: 2023-12-18. Review status: criteria provided, single submitter. Criteria: Invitae Variant Classification Sherloc (09022015). Collection method: clinical testing. Allele origin: germline.
Comment: This sequence change replaces leucine, which is neutral and non-polar, with proline, which is neutral and non-polar, at codon 676 of the COL10A1 protein (p.Leu676Pro). This variant is not present in population databases (gnomAD no frequency). This variant has not been reported in the literature in individuals affected with COL10A1-related conditions. Advanced modeling of protein sequence and biophysical properties (such as structural, functional, and spatial information, amino acid conservation, physicochemical variation, residue mobility, and thermodynamic stability) performed at Invitae indicates that this missense variant is expected to disrupt COL10A1 protein function with a positive predictive value of 80%. In summary, the available evidence is currently insufficient to determine the role of this variant in disease. Therefore, it has been classified as a Variant of Uncertain Significance.

Blueprint Genetics
Classification: Uncertain significance. Last evaluated: 2023-04-21. Review status: criteria provided, single submitter. Criteria: ACMG Guidelines, 2015. Collection method: clinical testing. Allele origin: germline.